The following is an entry in ClinVar:

NM_032043.3(BRIP1):c.2940A>G (p.Ala980=)

Gene: BRIP1 (BRCA1 interacting DNA helicase 1; minus strand). Cytogenetic location: 17q23.2.
Variant type: single nucleotide variant.
Coding change: c.2940A>G on transcript NM_032043.3 (MANE Select); coding-DNA position 2940, A replaced by G.
Protein change: p.Ala980=; no amino-acid change (alanine 980 retained).
Molecular consequence: synonymous variant.
Genome position (GRCh38, 1-based): chr17:61,684,106, T>C on the plus strand (A>G on the coding strand, the complement: BRIP1 is on the minus strand). VCF-style: chr17-61684106-T-C. GRCh37 (hg19) VCF-style: chr17-59761467-T-C.
Identifiers: ClinVar variation 3378681 (VCV003378681.2).

ClinVar aggregate classification (germline): Benign/Likely benign. Review status: criteria provided, multiple submitters, no conflicts (2 of 4 stars). 2 submissions from 2 submitters: Benign (1); Likely benign (1). Last evaluated 2025-07-02.

Conditions:
Hereditary cancer-predisposing syndrome. Also called: Neoplastic Syndromes, Hereditary; Tumor predisposition; Hereditary Cancer Syndrome; Hereditary neoplastic syndrome. Identifiers: Orphanet 140162, MedGen C0027672, MeSH D009386, MONDO:0015356.
Familial cancer of breast. Also called: hereditary breast carcinoma; Hereditary breast cancer; BREAST CANCER, FAMILIAL. Identifiers: Orphanet 227535, MedGen C0346153, MONDO:0016419, OMIM 114480. Disease mechanism: loss of function.

Submissions (2):

Ambry Genetics
Classification: Likely benign for Hereditary cancer-predisposing syndrome. Last evaluated: 2025-07-02. Review status: criteria provided, single submitter. Criteria: Ambry Variant Classification Scheme 2023. Collection method: clinical testing. Allele origin: germline.

Myriad Genetics, Inc.
Classification: Benign for Familial cancer of breast. Last evaluated: 2024-09-09. Review status: criteria provided, single submitter. Criteria: Myriad Autosomal Dominant, Autosomal Recessive and X-Linked Classification Criteria (2023). Collection method: clinical testing. Allele origin: unknown.
Comment: This variant is considered benign. This variant is a silent/synonymous amino acid change and it is not expected to impact splicing.